The following is an entry in ClinVar:

ClinVar aggregate classification (germline): Uncertain significance (1 of 4 stars; one submission).

Conditions:
Bethlem myopathy 1A. Also called: Bethlem myopathy 1; Bethlem Muscular Dystrophy; MYOPATHY, BENIGN CONGENITAL, WITH CONTRACTURES. Identifiers: Orphanet 610, MedGen CN029274, MONDO:0024530, OMIM 158810.

Submission:

Labcorp Genetics (formerly Invitae), Labcorp
Classification: Uncertain significance for Bethlem myopathy 1A. Last evaluated: 2021-01-13. Review status: criteria provided, single submitter. Criteria: Invitae Variant Classification Sherloc (09022015). Collection method: clinical testing. Allele origin: germline.
Comment: In summary, the available evidence is currently insufficient to determine the role of this variant in disease. Therefore, it has been classified as a Variant of Uncertain Significance. Experimental studies and prediction algorithms are not available or were not evaluated, and the functional significance of this variant is currently unknown. This variant has not been reported in the literature in individuals with COL6A1-related conditions. This variant is not present in population databases (ExAC no frequency). This variant, c.2202_2213dup, results in the insertion of 4 amino acid(s) to the COL6A1 protein (p.Gln735_Thr738dup), but otherwise preserves the integrity of the reading frame.

NM_001848.3(COL6A1):c.2202_2213dup (p.Gln735_Thr738dup)

Gene: COL6A1 (collagen type VI alpha 1 chain; plus strand). Cytogenetic location: 21q22.3.
Variant type: Duplication.
Coding change: c.2202_2213dup on transcript NM_001848.3 (MANE Select); coding-DNA positions 2202 to 2213, 12 bases duplicated (TCAGAGGGACAC).
Protein change: p.Gln735_Thr738dup.
Molecular consequence: inframe insertion.
Genome position (GRCh38, 1-based): chr21:46,002,353-46,002,364, TCAGAGGGACAC duplicated; duplicating any 12 consecutive bases within chr21:46,002,348-46,002,364 gives the same sequence; the c. name uses the placement nearest the transcript's 3' end. VCF-style (leftmost placement, unchanged base first): chr21-46002347-A-AGACACTCAGAGG. GRCh37 (hg19) VCF-style: chr21-47422261-A-AGACACTCAGAGG.
Identifiers: ClinVar variation 1502356 (VCV001502356.8), dbSNP rs2123490613, ClinGen allele CA2573157638.